The following is an entry in ClinVar:

NM_006939.4(SOS2):c.3730A>G (p.Arg1244Gly)

Gene: SOS2 (SOS Ras/Rho guanine nucleotide exchange factor 2; minus strand). Cytogenetic location: 14q21.3.
Variant type: single nucleotide variant.
Coding change: c.3730A>G on transcript NM_006939.4 (MANE Select); coding-DNA position 3730, A replaced by G.
Protein change: p.Arg1244Gly; replaces arginine 1244 with glycine.
Molecular consequence: missense variant.
Genome position (GRCh38, 1-based): chr14:50,118,613, T>C on the plus strand (A>G on the coding strand, the complement: SOS2 is on the minus strand). VCF-style: chr14-50118613-T-C. GRCh37 (hg19) VCF-style: chr14-50585331-T-C.
Other names: c.3631A>G, p.Arg1211Gly (NM_001411020.1); short protein forms R1244G, R1211G.
Identifiers: ClinVar variation 3636080 (VCV003636080.2).

ClinVar aggregate classification (germline): Uncertain significance (1 of 4 stars; one submission).

Conditions:
Noonan syndrome 9 (NS9). Identifiers: Orphanet 648, MedGen C4225282, MONDO:0014691, OMIM 616559.

Submission:

Labcorp Genetics (formerly Invitae), Labcorp
Classification: Uncertain significance for Noonan syndrome 9. Last evaluated: 2025-02-05. Review status: criteria provided, single submitter. Criteria: Invitae Variant Classification Sherloc (09022015). Collection method: clinical testing. Allele origin: germline.
Comment: This sequence change replaces arginine, which is basic and polar, with glycine, which is neutral and non-polar, at codon 1244 of the SOS2 protein (p.Arg1244Gly). This variant is not present in population databases (gnomAD no frequency). This variant has not been reported in the literature in individuals affected with SOS2-related conditions. Invitae Evidence Modeling of protein sequence and biophysical properties (such as structural, functional, and spatial information, amino acid conservation, physicochemical variation, residue mobility, and thermodynamic stability) indicates that this missense variant is not expected to disrupt SOS2 protein function with a negative predictive value of 95%. In summary, the available evidence is currently insufficient to determine the role of this variant in disease. Therefore, it has been classified as a Variant of Uncertain Significance.